The following is an entry in ClinVar:

ClinVar aggregate classification (germline): Likely benign. Review status: criteria provided, multiple submitters, no conflicts (2 of 4 stars). 3 submissions from 3 submitters: Likely benign (2). 1 of the submissions does not count toward it. Last evaluated 2024-01-30.

Conditions:
CDH23-related disorder. Also called: CDH23-related disorders; CDH23-related condition.

Allele frequency attached by ClinVar (database versions not stated): gnomAD exomes 0.00003 and 0.00009; TOPMed 0.00003; gnomAD 0.00004; ExAC 0.00017; 1000 Genomes Project 30x 0.00031.
gnomAD v4.1: 53 of 1,614,018 alleles (0.0033%); highest among the groups gnomAD compares: Non-Finnish European, 0.0036%; no homozygotes.

Submissions (3):

Blueprint Genetics
Classification: Likely benign. Last evaluated: 2024-01-30. Review status: criteria provided, single submitter. Criteria: ACMG Guidelines, 2015. Collection method: clinical testing. Allele origin: germline.

Labcorp Genetics (formerly Invitae), Labcorp
Classification: Likely benign. Last evaluated: 2024-01-26. Review status: criteria provided, single submitter. Criteria: Invitae Variant Classification Sherloc (09022015). Collection method: clinical testing. Allele origin: germline.

PreventionGenetics, part of Exact Sciences
Classification: Likely benign for CDH23-related condition. Last evaluated: 2020-08-25. Review status: no assertion criteria provided. Collection method: clinical testing. Allele origin: germline. Not counted in ClinVar's aggregate classification.
Comment: This variant is classified as likely benign based on ACMG/AMP sequence variant interpretation guidelines (Richards et al. 2015 PMID: 25741868, with internal and published modifications).

NM_022124.6(CDH23):c.2502C>T (p.Arg834=)

Gene: CDH23 (cadherin related 23; plus strand). Cytogenetic location: 10q22.1.
Variant type: single nucleotide variant.
Coding change: c.2502C>T on transcript NM_022124.6 (MANE Select); coding-DNA position 2502, C replaced by T.
Protein change: p.Arg834=; no amino-acid change (arginine 834 retained).
Molecular consequence: synonymous variant.
Genome position (GRCh38, 1-based): chr10:71,702,126, C>T. VCF-style: chr10-71702126-C-T. GRCh37 (hg19) VCF-style: chr10-73461883-C-T.
Other names: c.2502C>T, p.Arg834= (NM_001171930.2, NM_001171931.2); c.2502C>T (NM_022124.5).
Identifiers: ClinVar variation 1149902 (VCV001149902.12), dbSNP rs55918133, ClinGen allele CA5544236.